The following is an entry in ClinVar:

NM_000107.3(DDB2):c.619C>T (p.Leu207=)

Gene: DDB2 (damage specific DNA binding protein 2; plus strand). Cytogenetic location: 11p11.2.
Variant type: single nucleotide variant.
Coding change: c.619C>T on transcript NM_000107.3 (MANE Select); coding-DNA position 619, C replaced by T.
Protein change: p.Leu207=; no amino-acid change (leucine 207 retained).
Molecular consequence: synonymous variant. On other transcripts: non-coding transcript variant (2), intron variant (2).
Genome position (GRCh38, 1-based): chr11:47,234,589, C>T. VCF-style: chr11-47234589-C-T. GRCh37 (hg19) VCF-style: chr11-47256140-C-T.
Other names: c.619C>T, p.Leu207= (NM_001399874.1, NM_001399875.1); c.427C>T, p.Leu143= (NM_001399878.1); c.457-3248C>T (NM_001399876.1, NM_001300734.2).
Identifiers: ClinVar variation 1692149 (VCV001692149.15), dbSNP rs753070223, ClinGen allele CA5972570.

ClinVar aggregate classification (germline): Conflicting classifications of pathogenicity. Review status: criteria provided, conflicting classifications (1 of 4 stars). 2 submissions from 2 submitters: Uncertain significance (1); Likely benign (1). Last evaluated 2024-09-01.

Conditions:
Xeroderma pigmentosum (XP). Identifiers: Orphanet 910, MedGen C0043346, MONDO:0019600.

Allele frequency attached by ClinVar (database versions not stated): gnomAD exomes 0.00001 and 0.00002; ExAC 0.00002; gnomAD 0.00003; TOPMed 0.00003.

Submissions (2):

CeGaT Center for Human Genetics Tuebingen
Classification: Likely benign. Last evaluated: 2024-09-01. Review status: criteria provided, single submitter. Criteria: CeGaT Center For Human Genetics Tuebingen Variant Classification Criteria Version 2. Collection method: clinical testing. Allele origin: germline. Affected: yes. Observed: 1 variant allele.
Comment: DDB2: BP4, BP7

Sema4
Classification: Uncertain significance for Xeroderma pigmentosum. Last evaluated: 2021-11-06. Review status: criteria provided, single submitter. Criteria: Sema4 Curation Guidelines. Collection method: curation. Allele origin: germline.
Comment: The DDB2 c.619C>T (p.L207=) variant has not been reported in the literature to our knowledge. It was observed in 3/113768 chromosomes of the Non-Finnish European (NFE) subpopulation in the large and broad cohorts of the Genome Aggregation Database (PMID: 32461654). The variant has not been reported in ClinVar. The nucleotide position is conserved and in silico tools suggest the variant does not disrupt normal splicing, though these predictions have not been confirmed by functional studies. The evidence is insufficient to meet ACMG/AMP criteria for classifying the variant as benign or pathogenic. Thus, the clinical significance of this variant is currently uncertain.